The following is an entry in ClinVar:

ClinVar aggregate classification (germline): Uncertain significance. Review status: criteria provided, multiple submitters, no conflicts (2 of 4 stars). 3 submissions from 3 submitters: Uncertain significance (3). Last evaluated 2025-02-18.

Conditions:
Fanconi anemia complementation group C (FANCC). Also called: FANCONI PANCYTOPENIA, TYPE 3; FACC; Fanconi anemia, group C; FANCC-Related Fanconi Anemia. Identifiers: Orphanet 84, MedGen C3468041, MONDO:0009213, OMIM 227645.
Fanconi anemia (FA). Also called: Fanconi's anemia. Identifiers: Orphanet 84, MedGen C0015625, MeSH D005199, MONDO:0019391.
Hereditary cancer-predisposing syndrome. Also called: Tumor predisposition; Hereditary Cancer Syndrome; Hereditary neoplastic syndrome; Neoplastic Syndromes, Hereditary. Identifiers: Orphanet 140162, MedGen C0027672, MeSH D009386, MONDO:0015356.

Submissions (3):

Labcorp Genetics (formerly Invitae), Labcorp
Classification: Uncertain significance for Fanconi anemia. Last evaluated: 2025-02-18. Review status: criteria provided, single submitter. Criteria: Invitae Variant Classification Sherloc (09022015). Collection method: clinical testing. Allele origin: germline.
Comment: This sequence change replaces glycine, which is neutral and non-polar, with glutamic acid, which is acidic and polar, at codon 472 of the FANCC protein (p.Gly472Glu). This variant is not present in population databases (gnomAD no frequency). This variant has not been reported in the literature in individuals affected with FANCC-related conditions. ClinVar contains an entry for this variant (Variation ID: 3277653). Invitae Evidence Modeling of protein sequence and biophysical properties (such as structural, functional, and spatial information, amino acid conservation, physicochemical variation, residue mobility, and thermodynamic stability) indicates that this missense variant is not expected to disrupt FANCC protein function with a negative predictive value of 80%. In summary, the available evidence is currently insufficient to determine the role of this variant in disease. Therefore, it has been classified as a Variant of Uncertain Significance.

Ambry Genetics
Classification: Uncertain significance for Hereditary cancer-predisposing syndrome. Last evaluated: 2024-06-11. Review status: criteria provided, single submitter. Criteria: Ambry Variant Classification Scheme 2023. Collection method: clinical testing. Allele origin: germline.
Comment: The p.G472E variant (also known as c.1415G>A), located in coding exon 13 of the FANCC gene, results from a G to A substitution at nucleotide position 1415. The glycine at codon 472 is replaced by glutamic acid, an amino acid with similar properties. This amino acid position is conserved. In addition, this alteration is predicted to be tolerated by in silico analysis. Based on the available evidence, the clinical significance of this variant remains unclear.

Fulgent Genetics
Classification: Uncertain significance for Fanconi anemia complementation group C. Last evaluated: 2024-05-30. Review status: criteria provided, single submitter. Criteria: ACMG Guidelines, 2015. Collection method: clinical testing. Allele origin: germline.

NM_000136.3(FANCC):c.1415G>A (p.Gly472Glu)

Genes: AOPEP (aminopeptidase O (putative); plus strand), FANCC (FA complementation group C; minus strand). Cytogenetic location: 9q22.32.
Variant type: single nucleotide variant.
Coding change: c.1415G>A on transcript NM_000136.3 (MANE Select); coding-DNA position 1415, G replaced by A.
Protein change: p.Gly472Glu; replaces glycine 472 with glutamic acid.
Molecular consequence: missense variant.
Genome position (GRCh38, 1-based): chr9:95,107,184, C>T on the plus strand (G>A on the coding strand, the complement: FANCC is on the minus strand). VCF-style: chr9-95107184-C-T. GRCh37 (hg19) VCF-style: chr9-97869466-C-T.
Other names: c.1415G>A, p.Gly472Glu (NM_001243743.2); short protein forms G472E.
Identifiers: ClinVar variation 3277653 (VCV003277653.3).